The following is an entry in ClinVar:

NM_000038.6(APC):c.169G>A (p.Asp57Asn)

Gene: APC (APC regulator of Wnt signaling pathway; plus strand). Cytogenetic location: 5q22.2.
Variant type: single nucleotide variant.
Coding change: c.169G>A on transcript NM_000038.6 (MANE Select); coding-DNA position 169, G replaced by A.
Protein change: p.Asp57Asn; replaces aspartic acid 57 with asparagine.
Molecular consequence: missense variant. On other transcripts: 5 prime UTR variant (4).
Genome position (GRCh38, 1-based): chr5:112,766,359, G>A. VCF-style: chr5-112766359-G-A. GRCh37 (hg19) VCF-style: chr5-112102056-G-A.
Other names: c.169G>A, p.Asp57Asn (NM_001127510.3, NM_001354895.2, NM_001354896.2 and 16 more transcripts); c.199G>A, p.Asp67Asn (NM_001127511.3, NM_001354897.2, NM_001354902.2 and 1 more transcripts); c.94G>A, p.Asp32Asn (NM_001354898.2, NM_001354904.2, NM_001407451.1); c.-9G>A (NM_001354900.2, NM_001354901.2, NM_001354905.2 and 1 more transcripts); c.-867G>A (NM_001354906.2, NM_001407470.1, NM_001407471.1 and 1 more transcripts); short protein forms D32N, D67N, D57N.
Identifiers: ClinVar variation 1778314 (VCV001778314.3), dbSNP rs1173496729, ClinGen allele CA16021714.

ClinVar aggregate classification (germline): Uncertain significance. Review status: criteria provided, multiple submitters, no conflicts (2 of 4 stars). 2 submissions from 2 submitters: Uncertain significance (2). Last evaluated 2023-06-09.

Conditions:
Hereditary cancer-predisposing syndrome. Also called: Neoplastic Syndromes, Hereditary; Tumor predisposition; Hereditary Cancer Syndrome; Hereditary neoplastic syndrome. Identifiers: Orphanet 140162, MedGen C0027672, MeSH D009386, MONDO:0015356.
Familial adenomatous polyposis 1 (FAP1). Also called: FAMILIAL ADENOMATOUS POLYPOSIS 1, ATTENUATED; POLYPOSIS, ADENOMATOUS INTESTINAL. Identifiers: MedGen C2713442, MONDO:0021056, OMIM 175100. Disease mechanism: loss of function.

Submissions (2):

Baylor Genetics
Classification: Uncertain significance for Familial adenomatous polyposis 1. Last evaluated: 2023-06-09. Review status: criteria provided, single submitter. Criteria: ACMG Guidelines, 2015. Collection method: clinical testing. Allele origin: unknown.

Ambry Genetics
Classification: Uncertain significance for Hereditary cancer-predisposing syndrome. Last evaluated: 2019-09-19. Review status: criteria provided, single submitter. Criteria: Ambry Variant Classification Scheme 2023. Collection method: clinical testing. Allele origin: germline.
Comment: The p.D57N variant (also known as c.169G>A), located in coding exon 2 of the APC gene, results from a G to A substitution at nucleotide position 169. The aspartic acid at codon 57 is replaced by asparagine, an amino acid with highly similar properties. This amino acid position is well conserved in available vertebrate species. In addition, in silico predictors for this gene do not accurately predict pathogenicity. Since supporting evidence is limited at this time, the clinical significance of this alteration remains unclear.